The following is an entry in ClinVar:

NM_000548.5(TSC2):c.1585G>A (p.Asp529Asn)

Gene: TSC2 (TSC complex subunit 2; plus strand). Cytogenetic location: 16p13.3.
Variant type: single nucleotide variant.
Coding change: c.1585G>A on transcript NM_000548.5 (MANE Select); coding-DNA position 1585, G replaced by A.
Protein change: p.Asp529Asn; replaces aspartic acid 529 with asparagine.
Molecular consequence: missense variant. On other transcripts: 5 prime UTR variant (1), non-coding transcript variant (5).
Genome position (GRCh38, 1-based): chr16:2,064,413, G>A. VCF-style: chr16-2064413-G-A. GRCh37 (hg19) VCF-style: chr16-2114414-G-A.
Other names: c.985G>A, p.Asp329Asn (NM_001406688.1, NM_001406684.1, NM_001406685.1 and 6 more transcripts); c.241G>A, p.Asp81Asn (NM_001406689.1, NM_001406690.1, NM_001406691.1 and 6 more transcripts); c.1585G>A, p.Asp529Asn (NM_001370404.1, NM_001370405.1, NM_001406663.1 and 6 more transcripts); c.1675G>A, p.Asp559Asn (NM_001406667.1, NM_001406668.1); c.1474G>A, p.Asp492Asn (NM_001406670.1, NM_001318827.2, NM_001406678.1); c.1573G>A, p.Asp525Asn (NM_001406671.1, NM_001406673.1); c.1438G>A, p.Asp480Asn (NM_001318829.2, NM_001406675.1, NM_001406676.1 and 1 more transcripts); c.1618G>A, p.Asp540Asn (NM_001318832.2); and 3 more; short protein forms D329N, D529N, D492N, D525N, D540N, D559N, D375N, D480N.
Identifiers: ClinVar variation 3974651 (VCV003974651.1).

ClinVar aggregate classification (germline): Uncertain significance (1 of 4 stars; one submission).

Conditions:
Hereditary cancer-predisposing syndrome. Also called: Tumor predisposition; Hereditary neoplastic syndrome; Hereditary Cancer Syndrome; Neoplastic Syndromes, Hereditary. Identifiers: Orphanet 140162, MedGen C0027672, MeSH D009386, MONDO:0015356.

Submission:

Ambry Genetics
Classification: Uncertain significance for Hereditary cancer-predisposing syndrome. Last evaluated: 2025-04-11. Review status: criteria provided, single submitter. Criteria: Ambry Variant Classification Scheme 2023. Collection method: clinical testing. Allele origin: germline.
Comment: The p.D529N variant (also known as c.1585G>A), located in coding exon 14 of the TSC2 gene, results from a G to A substitution at nucleotide position 1585. The aspartic acid at codon 529 is replaced by asparagine, an amino acid with highly similar properties. This amino acid position is conserved. In addition, this alteration is predicted to be tolerated by in silico analysis. Based on the available evidence, the clinical significance of this variant remains unclear.